The following is an entry in ClinVar:

ClinVar aggregate classification (germline): Uncertain significance (1 of 4 stars; one submission).

Conditions:
Hypertrophic cardiomyopathy. Also called: HYPERTROPHIC MYOCARDIOPATHY. Identifiers: Orphanet 217569, MedGen C0007194, MeSH D002312, MONDO:0005045, HP:0001639.

Allele frequency attached by ClinVar (database versions not stated): gnomAD 0.00001; TOPMed 0.00003.
gnomAD v4.1: 7 of 1,613,492 alleles (0.00043%); highest among the groups gnomAD compares: Admixed American, 0.0017%; no homozygotes.

Submission:

Labcorp Genetics (formerly Invitae), Labcorp
Classification: Uncertain significance for Hypertrophic cardiomyopathy. Last evaluated: 2025-02-19. Review status: criteria provided, single submitter. Criteria: Invitae Variant Classification Sherloc (09022015). Collection method: clinical testing. Allele origin: germline.
Comment: This sequence change replaces arginine, which is basic and polar, with histidine, which is basic and polar, at codon 380 of the MYOM1 protein (p.Arg380His). The frequency data for this variant in the population databases is considered unreliable, as metrics indicate poor data quality at this position in the gnomAD database. This variant has not been reported in the literature in individuals affected with MYOM1-related conditions. ClinVar contains an entry for this variant (Variation ID: 582842). Invitae Evidence Modeling of protein sequence and biophysical properties (such as structural, functional, and spatial information, amino acid conservation, physicochemical variation, residue mobility, and thermodynamic stability) indicates that this missense variant is not expected to disrupt MYOM1 protein function with a negative predictive value of 80%. In summary, the available evidence is currently insufficient to determine the role of this variant in disease. Therefore, it has been classified as a Variant of Uncertain Significance.

NM_003803.4(MYOM1):c.1139G>A (p.Arg380His)

Gene: MYOM1 (myomesin 1; minus strand). Cytogenetic location: 18p11.31.
Variant type: single nucleotide variant.
Coding change: c.1139G>A on transcript NM_003803.4 (MANE Select); coding-DNA position 1139, G replaced by A.
Protein change: p.Arg380His; replaces arginine 380 with histidine.
Molecular consequence: missense variant.
Genome position (GRCh38, 1-based): chr18:3,173,973, C>T on the plus strand (G>A on the coding strand, the complement: MYOM1 is on the minus strand). VCF-style: chr18-3173973-C-T. GRCh37 (hg19) VCF-style: chr18-3173971-C-T.
Other names: c.1139G>A, p.Arg380His (NM_019856.2); short protein forms R380H.
Identifiers: ClinVar variation 582842 (VCV000582842.12), dbSNP rs761231031, ClinGen allele CA401715542.